The following is an entry in ClinVar:

ClinVar aggregate classification (germline): Conflicting classifications of pathogenicity. Review status: criteria provided, conflicting classifications (1 of 4 stars). 2 submissions from 2 submitters: Uncertain significance (1); Likely benign (1). Last evaluated 2024-05-14.

Allele frequency attached by ClinVar (database versions not stated): ExAC 0.00069; 1000 Genomes Project 30x 0.00125.
gnomAD v4.1: 666 of 1,172,386 alleles (0.057%); highest among the groups gnomAD compares: South Asian, 0.15%; 2 homozygotes.

Submissions (2):

Ambry Genetics
Classification: Uncertain significance. Last evaluated: 2024-05-14. Review status: criteria provided, single submitter. Criteria: Ambry Variant Classification Scheme 2023. Collection method: clinical testing. Allele origin: germline.

CeGaT Center for Human Genetics Tuebingen
Classification: Likely benign. Last evaluated: 2023-02-01. Review status: criteria provided, single submitter. Criteria: CeGaT Center For Human Genetics Tuebingen Variant Classification Criteria Version 2. Collection method: clinical testing. Allele origin: germline. Affected: yes. Observed: 2 variant alleles.
Comment: ZXDB: BS2

NM_007157.4(ZXDB):c.222G>C (p.Leu74Phe)

Gene: ZXDB (zinc finger X-linked duplicated B; plus strand). Cytogenetic location: Xp11.21.
Variant type: single nucleotide variant.
Coding change: c.222G>C on transcript NM_007157.4 (MANE Select); coding-DNA position 222, G replaced by C.
Protein change: p.Leu74Phe; replaces leucine 74 with phenylalanine.
Molecular consequence: missense variant.
Genome position (GRCh38, 1-based): chrX:57,592,270, G>C. VCF-style: chrX-57592270-G-C. GRCh37 (hg19) VCF-style: chrX-57618703-G-C.
Other names: short protein forms L74F.
Identifiers: ClinVar variation 2345194 (VCV002345194.27), dbSNP rs768201846, ClinGen allele CA10431023.